The following is an entry in ClinVar:

NM_003922.4(HERC1):c.7232C>A (p.Thr2411Asn)

Gene: HERC1 (HECT and RLD domain containing E3 ubiquitin protein ligase family member 1; minus strand). Cytogenetic location: 15q22.31.
Variant type: single nucleotide variant.
Coding change: c.7232C>A on transcript NM_003922.4 (MANE Select); coding-DNA position 7232, C replaced by A.
Protein change: p.Thr2411Asn; replaces threonine 2411 with asparagine.
Molecular consequence: missense variant.
Genome position (GRCh38, 1-based): chr15:63,674,956, G>T on the plus strand (C>A on the coding strand, the complement: HERC1 is on the minus strand). VCF-style: chr15-63674956-G-T. GRCh37 (hg19) VCF-style: chr15-63967155-G-T.
Other names: short protein forms T2411N.
Identifiers: ClinVar variation 1480259 (VCV001480259.8), dbSNP rs1268418725, ClinGen allele CA392765995.

ClinVar aggregate classification (germline): Uncertain significance (1 of 4 stars; one submission).

Allele frequency attached by ClinVar (database versions not stated): gnomAD exomes 0.00001.
gnomAD v4.1: 3 of 1,613,962 alleles (0.00019%); highest among the groups gnomAD compares: Admixed American, 0.005%; no homozygotes.

Submission:

Labcorp Genetics (formerly Invitae), Labcorp
Classification: Uncertain significance. Last evaluated: 2021-06-17. Review status: criteria provided, single submitter. Criteria: Invitae Variant Classification Sherloc (09022015). Collection method: clinical testing. Allele origin: germline.
Comment: In summary, the available evidence is currently insufficient to determine the role of this variant in disease. Therefore, it has been classified as a Variant of Uncertain Significance. Algorithms developed to predict the effect of missense changes on protein structure and function are either unavailable or do not agree on the potential impact of this missense change (SIFT: "Deleterious"; PolyPhen-2: "Benign"; Align-GVGD: "Class C0"). This variant has not been reported in the literature in individuals with HERC1-related conditions. This variant is not present in population databases (ExAC no frequency). This sequence change replaces threonine with asparagine at codon 2411 of the HERC1 protein (p.Thr2411Asn). The threonine residue is moderately conserved and there is a small physicochemical difference between threonine and asparagine.